The following is an entry in ClinVar:

ClinVar aggregate classification (germline): Uncertain significance. Review status: criteria provided, single submitter (1 of 4 stars). 2 submissions from 2 submitters: Uncertain significance (1). 1 of the submissions does not count toward it. Last evaluated 2024-10-15.

Conditions:
OCA2-related disorder. Also called: OCA2-related condition.

Allele frequency attached by ClinVar (database versions not stated): gnomAD 0.00003; gnomAD exomes 0.00003; TOPMed 0.00003; ExAC 0.00009; ESP Exome Variant Server 0.00015.
gnomAD v4.1: 52 of 1,613,172 alleles (0.0032%); highest among the groups gnomAD compares: Non-Finnish European, 0.0041%; no homozygotes.

Submissions (2):

Labcorp Genetics (formerly Invitae), Labcorp
Classification: Uncertain significance. Last evaluated: 2024-10-15. Review status: criteria provided, single submitter. Criteria: Invitae Variant Classification Sherloc (09022015). Collection method: clinical testing. Allele origin: germline.
Comment: This sequence change replaces arginine, which is basic and polar, with tryptophan, which is neutral and slightly polar, at codon 76 of the OCA2 protein (p.Arg76Trp). This variant is present in population databases (rs147785669, gnomAD 0.01%). This variant has not been reported in the literature in individuals affected with OCA2-related conditions. ClinVar contains an entry for this variant (Variation ID: 2163888). An algorithm developed to predict the effect of missense changes on protein structure and function outputs the following: PolyPhen-2: "Benign". The tryptophan amino acid residue is found in multiple mammalian species, which suggests that this missense change does not adversely affect protein function. Algorithms developed to predict the effect of sequence changes on RNA splicing suggest that this variant may disrupt the consensus splice site. In summary, the available evidence is currently insufficient to determine the role of this variant in disease. Therefore, it has been classified as a Variant of Uncertain Significance.

PreventionGenetics, part of Exact Sciences
Classification: Uncertain significance for OCA2-related condition. Last evaluated: 2024-08-27. Review status: no assertion criteria provided. Collection method: clinical testing. Allele origin: germline. Not counted in ClinVar's aggregate classification.
Comment: The OCA2 c.226A>T variant is predicted to result in the amino acid substitution p.Arg76Trp. To our knowledge, this variant has not been reported in the literature. This variant is reported in 0.015% of alleles in individuals of European (Non-Finnish) descent in gnomAD. At this time, the clinical significance of this variant is uncertain due to the absence of conclusive functional and genetic evidence.

NM_000275.3(OCA2):c.226A>T (p.Arg76Trp)

Gene: OCA2 (OCA2 melanosomal transmembrane protein; minus strand). Cytogenetic location: 15q13.1.
Variant type: single nucleotide variant.
Coding change: c.226A>T on transcript NM_000275.3 (MANE Select); coding-DNA position 226, A replaced by T.
Protein change: p.Arg76Trp; replaces arginine 76 with tryptophan.
Molecular consequence: missense variant.
Genome position (GRCh38, 1-based): chr15:28,081,649, T>A on the plus strand (A>T on the coding strand, the complement: OCA2 is on the minus strand). VCF-style: chr15-28081649-T-A. GRCh37 (hg19) VCF-style: chr15-28326795-T-A.
Other names: c.226A>T, p.Arg76Trp (NM_001300984.2); c.226A>T (NM_000275.2); short protein forms R76W.
Identifiers: ClinVar variation 2163888 (VCV002163888.3), dbSNP rs147785669, ClinGen allele CA7439549.